The following is an entry in ClinVar:

NM_001098.3(ACO2):c.1628C>T (p.Thr543Ile)

Genes: ACO2 (aconitase 2; plus strand), LOC130067544 (ATAC-STARR-seq lymphoblastoid active region 19118; plus strand). Cytogenetic location: 22q13.2.
Variant type: single nucleotide variant.
Coding change: c.1628C>T on transcript NM_001098.3 (MANE Select); coding-DNA position 1628, C replaced by T.
Protein change: p.Thr543Ile; replaces threonine 543 with isoleucine.
Molecular consequence: missense variant.
Genome position (GRCh38, 1-based): chr22:41,525,215, C>T. VCF-style: chr22-41525215-C-T. GRCh37 (hg19) VCF-style: chr22-41921219-C-T.
Other names: c.1628C>T (NM_001098.2); short protein forms T543I.
Identifiers: ClinVar variation 1436279 (VCV001436279.11), dbSNP rs763511343, ClinGen allele CA10257737.
Genomic context (GRCh38, chr22:41,525,215, plus strand): 5'-GGACTCAGCACCCCACGCATCCCCATTCCCTGCTGCAGGAGTTTGACCCAGGGCAGGACA[C>T]CTACCAGCACCCACCCAAGGACAGCAGCGGGCAGCATGTGGACGTGAGCCCCACCAGCCA-3'
Protein context (NP_001089.1, residues 533-553): PKGEFDPGQD[Thr543Ile]YQHPPKDSSG

ClinVar aggregate classification (germline): Conflicting classifications of pathogenicity. Review status: criteria provided, conflicting classifications (1 of 4 stars). 3 submissions from 3 submitters: Likely pathogenic (1); Uncertain significance (2). Last evaluated 2024-11-14.

Conditions:
Optic atrophy 9 (OPA9). Identifiers: MedGen C4225384, MONDO:0014571, OMIM 616289.

Allele frequency attached by ClinVar (database versions not stated): gnomAD exomes 0.00001 and 0.00004; TOPMed 0.00002; ExAC 0.00004.
gnomAD v4.1: 3 of 1,614,118 alleles (0.00019%); highest among the groups gnomAD compares: East Asian, 0.0067%; no homozygotes.

Submissions (3):

GeneDx
Classification: Uncertain significance. Last evaluated: 2024-11-14. Review status: criteria provided, single submitter. Criteria: GeneDx Variant Classification Process June 2021. Collection method: clinical testing. Allele origin: germline. Affected: yes.
Comment: In silico analysis supports that this missense variant has a deleterious effect on protein structure/function; Has not been previously published as pathogenic or benign to our knowledge

Labcorp Genetics (formerly Invitae), Labcorp
Classification: Uncertain significance. Last evaluated: 2021-07-01. Review status: criteria provided, single submitter. Criteria: Invitae Variant Classification Sherloc (09022015). Collection method: clinical testing. Allele origin: germline.
Comment: Advanced modeling of protein sequence and biophysical properties (such as structural, functional, and spatial information, amino acid conservation, physicochemical variation, residue mobility, and thermodynamic stability) performed at Invitae indicates that this missense variant is expected to disrupt ACO2 protein function. This variant has not been reported in the literature in individuals affected with ACO2-related conditions. This variant is present in population databases (rs763511343, ExAC 0.06%). This sequence change replaces threonine with isoleucine at codon 543 of the ACO2 protein (p.Thr543Ile). The threonine residue is highly conserved and there is a moderate physicochemical difference between threonine and isoleucine. In summary, the available evidence is currently insufficient to determine the role of this variant in disease. Therefore, it has been classified as a Variant of Uncertain Significance.

Department of Medical Genetics, College of Basic Medicine, Army Medical University
Classification: Likely pathogenic for Optic atrophy 9. Review status: criteria provided, single submitter. Criteria: ACMG Guidelines, 2015. Collection method: clinical testing. Allele origin: maternal. Inheritance: Autosomal recessive inheritance. Affected: yes.